The following is an entry in ClinVar:

ClinVar aggregate classification (germline): Uncertain significance. Review status: criteria provided, multiple submitters, no conflicts (2 of 4 stars). 2 submissions from 2 submitters: Uncertain significance (2). Last evaluated 2025-07-31.

Conditions:
Inborn genetic diseases. Identifiers: MedGen C0950123, MeSH D030342.
Fanconi anemia (FA). Also called: Fanconi's anemia. Identifiers: Orphanet 84, MedGen C0015625, MeSH D005199, MONDO:0019391.

Allele frequency attached by ClinVar (database versions not stated): gnomAD exomes below 0.00001.
gnomAD v4.1: 2 of 1,613,680 alleles (0.00012%); highest among the groups gnomAD compares: Non-Finnish European, 0.000085%; no homozygotes.

Submissions (2):

Labcorp Genetics (formerly Invitae), Labcorp
Classification: Uncertain significance for Fanconi anemia. Last evaluated: 2025-07-31. Review status: criteria provided, single submitter. Criteria: Invitae Variant Classification Sherloc (09022015). Collection method: clinical testing. Allele origin: germline.
Comment: This sequence change replaces valine, which is neutral and non-polar, with isoleucine, which is neutral and non-polar, at codon 986 of the FANCM protein (p.Val986Ile). This variant is present in population databases (rs112345761, gnomAD 0.0009%). This variant has not been reported in the literature in individuals affected with FANCM-related conditions. ClinVar contains an entry for this variant (Variation ID: 947367). An algorithm developed to predict the effect of missense changes on protein structure and function outputs the following: PolyPhen-2: "Benign". The isoleucine amino acid residue is found in multiple mammalian species, which suggests that this missense change does not adversely affect protein function. In summary, the available evidence is currently insufficient to determine the role of this variant in disease. Therefore, it has been classified as a Variant of Uncertain Significance.

Ambry Genetics
Classification: Uncertain significance for Inborn genetic diseases. Last evaluated: 2025-04-24. Review status: criteria provided, single submitter. Criteria: Ambry Variant Classification Scheme 2023. Collection method: clinical testing. Allele origin: germline.
Comment: The p.V986I variant (also known as c.2956G>A), located in coding exon 14 of the FANCM gene, results from a G to A substitution at nucleotide position 2956. The valine at codon 986 is replaced by isoleucine, an amino acid with highly similar properties. This amino acid position is conserved. In addition, this alteration is predicted to be tolerated by in silico analysis. Based on the available evidence, the clinical significance of this variant remains unclear.

NM_020937.4(FANCM):c.2956G>A (p.Val986Ile)

Gene: FANCM (FA complementation group M; plus strand). Cytogenetic location: 14q21.2.
Variant type: single nucleotide variant.
Coding change: c.2956G>A on transcript NM_020937.4 (MANE Select); coding-DNA position 2956, G replaced by A.
Protein change: p.Val986Ile; replaces valine 986 with isoleucine.
Molecular consequence: missense variant.
Genome position (GRCh38, 1-based): chr14:45,175,710, G>A. VCF-style: chr14-45175710-G-A. GRCh37 (hg19) VCF-style: chr14-45644913-G-A.
Other names: c.2878G>A, p.Val960Ile (NM_001308133.2); short protein forms V986I, V960I.
Identifiers: ClinVar variation 947367 (VCV000947367.10), dbSNP rs112345761, ClinGen allele CA259627985.